The following is an entry in ClinVar:

NM_001355469.2(GOLGA8T):c.1720G>C (p.Asp574His)

Gene: GOLGA8T (golgin A8 family member T; plus strand). Cytogenetic location: 15q13.2.
Variant type: single nucleotide variant.
Coding change: c.1720G>C on transcript NM_001355469.2 (MANE Select); coding-DNA position 1720, G replaced by C.
Protein change: p.Asp574His; replaces aspartic acid 574 with histidine.
Molecular consequence: missense variant.
Genome position (GRCh38, 1-based): chr15:30,145,307, G>C. VCF-style: chr15-30145307-G-C. GRCh37 (hg19) VCF-style: chr15-30437510-G-C.
Other names: short protein forms D574H.
Identifiers: ClinVar variation 3250623 (VCV003250623.18), dbSNP rs1192967703.

ClinVar aggregate classification (germline): Likely benign (1 of 4 stars; one submission).

Allele frequency attached by ClinVar (database versions not stated): gnomAD 0.00145.

Submission:

CeGaT Center for Human Genetics Tuebingen
Classification: Likely benign. Last evaluated: 2024-06-01. Review status: criteria provided, single submitter. Criteria: CeGaT Center For Human Genetics Tuebingen Variant Classification Criteria Version 2. Collection method: clinical testing. Allele origin: germline. Affected: yes. Observed: 1 variant allele.
Comment: GOLGA8T: PP2, BS2